The following is an entry in ClinVar:

NM_000439.5(PCSK1):c.1313G>T (p.Arg438Leu)

Genes: CAST (calpastatin; plus strand), PCSK1 (proprotein convertase subtilisin/kexin type 1; minus strand), LOC101929710 (uncharacterized LOC101929710; plus strand). Cytogenetic location: 5q15.
Variant type: single nucleotide variant.
Coding change: c.1313G>T on transcript NM_000439.5 (MANE Select); coding-DNA position 1313, G replaced by T.
Protein change: p.Arg438Leu; replaces arginine 438 with leucine.
Molecular consequence: missense variant. On other transcripts: intron variant (11).
Genome position (GRCh38, 1-based): chr5:96,400,070, C>A on the plus strand (G>T on the coding strand, the complement: PCSK1 is on the minus strand). VCF-style: chr5-96400070-C-A. GRCh37 (hg19) VCF-style: chr5-95735774-C-A.
Other names: c.1172G>T, p.Arg391Leu (NM_001177875.2); c.-175+20418C>A (NM_001423254.1, NM_001423259.1, NM_001423255.1 and 6 more transcripts); c.-103+20418C>A (NM_001423253.1); c.-40+20418C>A (NM_001423258.1); short protein forms R391L, R438L.
Identifiers: ClinVar variation 4997628 (VCV004997628.1).

ClinVar aggregate classification (germline): Uncertain significance (1 of 4 stars; one submission).

Conditions:
PCSK1-related disorder. Also called: PCSK1-related condition.

gnomAD v4.1: 3 of 1,614,138 alleles (0.00019%); highest among the groups gnomAD compares: Non-Finnish European, 0.000085%; no homozygotes.

Submission:

PreventionGenetics, part of Exact Sciences
Classification: Uncertain significance for PCSK1-related condition. Last evaluated: 2024-10-17. Review status: criteria provided, single submitter. Criteria: ACMG Guidelines, 2015. Collection method: clinical testing. Allele origin: germline.
Comment: The PCSK1 c.1313G>T variant is predicted to result in the amino acid substitution p.Arg438Leu. In vitro functional studies showed that this variant was functionally similar to wild-type (Supplemental Data Set, Shah et al. 2023. PubMed ID: 36864747). To our knowledge, this variant has not been reported in a large population database (gnomAD), indicating this variant is rare. Of note, another variant impacting the same amino acid (p.Arg428Gln) was reported in an individual from an obesity cohort (Supplemental Table 1 in Roberts et al. 2022. PubMed ID: 35562395). At this time, the clinical significance of this variant is uncertain due to the absence of conclusive functional and genetic evidence.